The following is an entry in ClinVar:

ClinVar aggregate classification (germline): Uncertain significance (1 of 4 stars; one submission).

Conditions:
PRRC2A-related disorder. Also called: PRRC2A-related condition.

Submission:

PreventionGenetics, part of Exact Sciences
Classification: Uncertain significance for PRRC2A-related condition. Last evaluated: 2026-03-05. Review status: criteria provided, single submitter. Criteria: ACMG Guidelines, 2015. Collection method: clinical testing. Allele origin: germline.
Comment: The PRRC2A c.2503C>G variant is predicted to result in the amino acid substitution p.Leu835Val. To our knowledge, this variant has not been reported in the literature or in a large population database (gnomAD), indicating this variant is rare. At this time, the clinical significance of this variant is uncertain due to the absence of conclusive functional and genetic evidence.

NM_004638.4(PRRC2A):c.2503C>G (p.Leu835Val)

Gene: PRRC2A (proline rich coiled-coil 2A; plus strand). Cytogenetic location: 6p21.33.
Variant type: single nucleotide variant.
Coding change: c.2503C>G on transcript NM_004638.4 (MANE Select); coding-DNA position 2503, C replaced by G.
Protein change: p.Leu835Val; replaces leucine 835 with valine.
Molecular consequence: missense variant.
Genome position (GRCh38, 1-based): chr6:31,631,176, C>G. VCF-style: chr6-31631176-C-G. GRCh37 (hg19) VCF-style: chr6-31598953-C-G.
Other names: c.2503C>G, p.Leu835Val (NM_080686.3); short protein forms L835V.
Identifiers: ClinVar variation 4982206 (VCV004982206.1).